The following is an entry in ClinVar:

NM_004380.3(CREBBP):c.2748_2750del (p.Thr917del)

Gene: CREBBP (CREB binding protein; minus strand). Cytogenetic location: 16p13.3.
Variant type: Deletion.
Coding change: c.2748_2750del on transcript NM_004380.3 (MANE Select); coding-DNA positions 2748 to 2750, 3 bases deleted (TAC; older notation c.2748_2750delTAC).
Protein change: p.Thr917del; deletes threonine 917.
Molecular consequence: inframe deletion.
Genome position (GRCh38, 1-based): chr16:3,770,700-3,770,702, GTA deleted on the plus strand (TAC on the coding strand, the reverse complement: CREBBP is on the minus strand); deleting any 3 consecutive bases within chr16:3,770,700-3,770,703 gives the same sequence; the c. name uses the placement nearest the transcript's 3' end. VCF-style (leftmost placement, unchanged base first): chr16-3770699-TGTA-T. GRCh37 (hg19) VCF-style: chr16-3820700-TGTA-T.
Other names: c.2634_2636del, p.Thr879del (NM_001079846.1); short protein forms T879del, T917del.
Identifiers: ClinVar variation 1306286 (VCV001306286.2), dbSNP rs2141200571, ClinGen allele CA2573054231.
Genomic context (GRCh38, chr16:3,770,699, plus strand): 5'-CGGGGGCTGAACTGGGGTTTGAGGCTGCGGGGTCACCTGGGCCTGGGCTGCTGCCTGGAC[TGTA>T]GGGGTGCTCTGGGTTTGGGTAGCACTGGGCACTGAGCCAGGAGTCGGGGTGGGAGTCTGC-3'

ClinVar aggregate classification (germline): Uncertain significance (1 of 4 stars; one submission).

Submission:

GeneDx
Classification: Uncertain significance. Last evaluated: 2019-06-05. Review status: criteria provided, single submitter. Criteria: GeneDx Variant Classification Process June 2021. Collection method: clinical testing. Allele origin: germline. Affected: yes.
Comment: Not observed in large population cohorts (Lek et al., 2016); In-frame deletion of 1 amino acid in a non-repeat region; In silico analysis, which includes protein predictors and evolutionary conservation, supports a deleterious effect; Has not been previously published as pathogenic or benign to our knowledge